The following is an entry in ClinVar:

ClinVar aggregate classification (germline): Uncertain significance (1 of 4 stars; one submission).

Conditions:
Hereditary cancer-predisposing syndrome. Also called: Neoplastic Syndromes, Hereditary; Tumor predisposition; Hereditary Cancer Syndrome; Hereditary neoplastic syndrome. Identifiers: Orphanet 140162, MedGen C0027672, MeSH D009386, MONDO:0015356.

Submission:

Ambry Genetics
Classification: Uncertain significance for Hereditary cancer-predisposing syndrome. Last evaluated: 2014-10-01. Review status: criteria provided, single submitter. Criteria: Ambry Variant Classification Scheme 2023. Collection method: clinical testing. Allele origin: germline.
Comment: The p.K384Q variant (also known as c.1150A>C), located in coding exon 10 of the MRE11A gene, results from an A to C substitution at nucleotide position 1150. The lysine at codon 384 is replaced by glutamine, an amino acid with similar properties. This variant was not reported in population based cohorts in the following databases: Database of Single Nucleotide Polymorphisms (dbSNP), NHLBI Exome Sequencing Project (ESP), and 1000 Genomes Project. In the ESP, this variant was not observed in 6499 samples (12998 alleles) with coverage at this position. To date, this alteration has been detected with an allele frequency of approximately 0.005% (greater than 22000 alleles tested) in our clinical cohort. This amino acid position is highly conserved in available vertebrate species. In addition, this alteration is predicted to be benign and tolerated by PolyPhen and SIFT in silico analyses, respectively. Since supporting evidence is limited at this time, the clinical significance of p.K384Q remains unclear.

NM_005591.4(MRE11):c.1150A>C (p.Lys384Gln)

Gene: MRE11 (MRE11 double strand break repair nuclease; minus strand). Cytogenetic location: 11q21.
Variant type: single nucleotide variant.
Coding change: c.1150A>C on transcript NM_005591.4 (MANE Select); coding-DNA position 1150, A replaced by C.
Protein change: p.Lys384Gln; replaces lysine 384 with glutamine.
Molecular consequence: missense variant.
Genome position (GRCh38, 1-based): chr11:94,464,188, T>G on the plus strand (A>C on the coding strand, the complement: MRE11 is on the minus strand). VCF-style: chr11-94464188-T-G. GRCh37 (hg19) VCF-style: chr11-94197354-T-G.
Other names: c.1150A>C, p.Lys384Gln (NM_001330347.2, NM_005590.4); short protein forms K384Q.
Identifiers: ClinVar variation 186437 (VCV000186437.5), dbSNP rs786202951, ClinGen allele CA194809.